The following is an entry in ClinVar:

NM_015896.4(ZMYND10):c.1116G>A (p.Ala372=)

Gene: ZMYND10 (zinc finger MYND-type containing 10; minus strand). Cytogenetic location: 3p21.31.
Variant type: single nucleotide variant.
Coding change: c.1116G>A on transcript NM_015896.4 (MANE Select); coding-DNA position 1116, G replaced by A.
Protein change: p.Ala372=; no amino-acid change (alanine 372 retained).
Molecular consequence: synonymous variant.
Genome position (GRCh38, 1-based): chr3:50,341,815, C>T on the plus strand (G>A on the coding strand, the complement: ZMYND10 is on the minus strand). VCF-style: chr3-50341815-C-T. GRCh37 (hg19) VCF-style: chr3-50379246-C-T.
Other names: c.1101G>A, p.Ala367= (NM_001308379.2); c.1116G>A (NM_015896.3).
Identifiers: ClinVar variation 1122885 (VCV001122885.8), dbSNP rs143000634, ClinGen allele CA2416994.

ClinVar aggregate classification (germline): Likely benign. Review status: criteria provided, multiple submitters, no conflicts (2 of 4 stars). 2 submissions from 2 submitters: Likely benign (2). Last evaluated 2025-05-18.

Conditions:
Primary ciliary dyskinesia. Also called: Ciliary dyskinesia. Identifiers: Orphanet 244, MedGen C0008780, MONDO:0016575, HP:0012265.
ZMYND10-related disorder. Also called: ZMYND10-related condition.

Allele frequency attached by ClinVar (database versions not stated): gnomAD 0.00007 and 0.00008; TOPMed 0.00011; gnomAD exomes 0.00012; ExAC 0.00020; ESP Exome Variant Server 0.00023.
gnomAD v4.1: 213 of 1,613,840 alleles (0.013%); highest among the groups gnomAD compares: Non-Finnish European, 0.016%; no homozygotes.

Submissions (2):

Labcorp Genetics (formerly Invitae), Labcorp
Classification: Likely benign for Primary ciliary dyskinesia. Last evaluated: 2025-05-18. Review status: criteria provided, single submitter. Criteria: Invitae Variant Classification Sherloc (09022015). Collection method: clinical testing. Allele origin: germline.

PreventionGenetics, part of Exact Sciences
Classification: Likely benign for ZMYND10-related condition. Last evaluated: 2024-11-26. Review status: criteria provided, single submitter. Criteria: ACMG Guidelines, 2015. Collection method: clinical testing. Allele origin: germline.
Comment: This variant is classified as likely benign based on ACMG/AMP sequence variant interpretation guidelines (Richards et al. 2015 PMID: 25741868, with internal and published modifications).